The following is an entry in ClinVar:

NM_000051.4(ATM):c.7872_7880delinsC (p.Asp2625fs)

Genes: ATM (ATM serine/threonine kinase; plus strand), C11orf65 (chromosome 11 open reading frame 65; minus strand). Cytogenetic location: 11q22.3.
Variant type: Indel.
Coding change: c.7872_7880delinsC on transcript NM_000051.4 (MANE Select); coding-DNA positions 7872 to 7880, TGATGCTTA replaced by C.
Protein change: p.Asp2625fs; shifts the reading frame from aspartic acid 2625.
Molecular consequence: frameshift variant. On other transcripts: intron variant (2).
Genome position (GRCh38, 1-based): chr11:108,332,845-108,332,853, TGATGCTTA replaced by C. VCF-style: chr11-108332845-TGATGCTTA-C. GRCh37 (hg19) VCF-style: chr11-108203572-TGATGCTTA-C.
Other names: c.7872_7880delinsC, p.Asp2625fs (NM_001351834.2); c.641-23782_641-23774delinsG (NM_001330368.2); c.*38+2367_*38+2375delinsG (NM_001351110.2); short protein forms D2625fs.
Identifiers: ClinVar variation 4071377 (VCV004071377.1).

ClinVar aggregate classification (germline): Pathogenic (1 of 4 stars; one submission).

Conditions:
Familial cancer of breast. Also called: BREAST CANCER, FAMILIAL; Hereditary breast cancer; hereditary breast carcinoma. Identifiers: Orphanet 227535, MedGen C0346153, MONDO:0016419, OMIM 114480. Disease mechanism: loss of function.

Submission:

Myriad Genetics, Inc.
Classification: Pathogenic for Familial cancer of breast. Last evaluated: 2025-04-23. Review status: criteria provided, single submitter. Criteria: Myriad Autosomal Dominant, Autosomal Recessive and X-Linked Classification Criteria (2023). Collection method: clinical testing. Allele origin: unknown.
Comment: This variant is considered pathogenic. This variant creates a frameshift predicted to result in premature protein truncation.